The following is an entry in ClinVar:

NM_182961.4(SYNE1):c.22347-53A>T

Gene: SYNE1 (spectrin repeat containing nuclear envelope protein 1; minus strand). Cytogenetic location: 6q25.2.
Variant type: single nucleotide variant.
Coding change: c.22347-53A>T on transcript NM_182961.4 (MANE Select); 53 bases into the intron before coding-DNA position 22347, A replaced by T.
Molecular consequence: intron variant.
Genome position (GRCh38, 1-based): chr6:152,213,812, T>A on the plus strand (A>T on the coding strand, the complement: SYNE1 is on the minus strand). VCF-style: chr6-152213812-T-A. GRCh37 (hg19) VCF-style: chr6-152534947-T-A.
Other names: c.22134-53A>T (NM_033071.5).
Identifiers: ClinVar variation 670208 (VCV000670208.1), dbSNP rs2763029, ClinGen allele CA15435983.

ClinVar aggregate classification (germline): Benign (1 of 4 stars; one submission).

Allele frequency attached by ClinVar (database versions not stated): 1000 Genomes Project 30x 0.30621; 1000 Genomes Project 0.30751; gnomAD exomes 0.42463; gnomAD 0.38462 and 0.39098; TOPMed 0.37015.
gnomAD v4.1: 675,819 of 1,609,148 alleles (42%); highest among the groups gnomAD compares: Non-Finnish European, 45%; 146,032 homozygotes.

Submission:

GeneDx
Classification: Benign. Last evaluated: 2018-06-19. Review status: criteria provided, single submitter. Criteria: GeneDx Variant Classification (06012015). Collection method: clinical testing. Allele origin: germline. Affected: yes.
Comment: This variant is considered likely benign or benign based on one or more of the following criteria: it is a conservative change, it occurs at a poorly conserved position in the protein, it is predicted to be benign by multiple in silico algorithms, and/or has population frequency not consistent with disease.